The following is an entry in ClinVar:

NM_006922.4(SCN3A):c.2255T>C (p.Leu752Pro)

Gene: SCN3A (sodium voltage-gated channel alpha subunit 3; minus strand). Cytogenetic location: 2q24.3.
Variant type: single nucleotide variant.
Coding change: c.2255T>C on transcript NM_006922.4 (MANE Select); coding-DNA position 2255, T replaced by C.
Protein change: p.Leu752Pro; replaces leucine 752 with proline.
Molecular consequence: missense variant.
Genome position (GRCh38, 1-based): chr2:165,138,015, A>G on the plus strand (T>C on the coding strand, the complement: SCN3A is on the minus strand). VCF-style: chr2-165138015-A-G. GRCh37 (hg19) VCF-style: chr2-165994525-A-G.
Other names: c.2108T>C, p.Leu703Pro (NM_001081676.2, NM_001081677.2); short protein forms L703P, L752P.
Identifiers: ClinVar variation 1191738 (VCV001191738.12), dbSNP rs1221758679, ClinGen allele CA349045241.

ClinVar aggregate classification (germline): Uncertain significance. Review status: criteria provided, multiple submitters, no conflicts (2 of 4 stars). 2 submissions from 2 submitters: Uncertain significance (2). Last evaluated 2025-10-04.

Allele frequency attached by ClinVar (database versions not stated): TOPMed below 0.00001; gnomAD 0.00001; gnomAD exomes 0.00001.

Submissions (2):

GeneDx
Classification: Uncertain significance. Last evaluated: 2025-10-04. Review status: criteria provided, single submitter. Criteria: GeneDx Variant Classification Process June 2021. Collection method: clinical testing. Allele origin: germline. Affected: yes.
Comment: Not observed at significant frequency in large population cohorts (gnomAD); In silico analysis supports that this missense variant has a deleterious effect on protein structure/function; Has not been previously published as pathogenic or benign to our knowledge

Labcorp Genetics (formerly Invitae), Labcorp
Classification: Uncertain significance. Last evaluated: 2025-08-21. Review status: criteria provided, single submitter. Criteria: Invitae Variant Classification Sherloc (09022015). Collection method: clinical testing. Allele origin: germline.
Comment: This sequence change replaces leucine, which is neutral and non-polar, with proline, which is neutral and non-polar, at codon 752 of the SCN3A protein (p.Leu752Pro). The frequency data for this variant in the population databases is considered unreliable, as metrics indicate poor data quality at this position in the gnomAD database. This variant has not been reported in the literature in individuals affected with SCN3A-related conditions. ClinVar contains an entry for this variant (Variation ID: 1191738). Invitae Evidence Modeling of protein sequence and biophysical properties (such as structural, functional, and spatial information, amino acid conservation, physicochemical variation, residue mobility, and thermodynamic stability) indicates that this missense variant is not expected to disrupt SCN3A protein function with a negative predictive value of 95%. In summary, the available evidence is currently insufficient to determine the role of this variant in disease. Therefore, it has been classified as a Variant of Uncertain Significance.